The following is an entry in ClinVar:

NM_007194.4(CHEK2):c.1376-6C>T

Gene: CHEK2 (checkpoint kinase 2; minus strand). Cytogenetic location: 22q12.1.
Variant type: single nucleotide variant.
Coding change: c.1376-6C>T on transcript NM_007194.4 (MANE Select); 6 bases into the intron before coding-DNA position 1376, C replaced by T.
Molecular consequence: intron variant.
Genome position (GRCh38, 1-based): chr22:28,694,123, G>A on the plus strand (C>T on the coding strand, the complement: CHEK2 is on the minus strand). VCF-style: chr22-28694123-G-A. GRCh37 (hg19) VCF-style: chr22-29090111-G-A.
Other names: c.713-6C>T (NM_001437942.1, NM_001257387.3); c.1175-6C>T (NM_001349956.3); c.1289-6C>T (NM_145862.3); c.1382-6C>T (NM_001438295.1); c.1469-6C>T (NM_001438293.1); c.1418-6C>T (NM_001438294.1); c.1505-6C>T (NM_001005735.3).
Identifiers: ClinVar variation 1114530 (VCV001114530.11), dbSNP rs2052474528, ClinGen allele CA2499226054.
Genomic context (GRCh38, chr22:28,694,123, plus strand): 5'-GTCGTAAAACGTGCCTTTGGATCCACTACCAACAACTTCTTGACAAGGTCCAGAGCTAAA[G>A]CAACAATTGGGCAAATCACAGTGAAAAGGATAAATATATTATCAGTAAGAGTATGCCAGA-3'

ClinVar aggregate classification (germline): Likely benign. Review status: criteria provided, multiple submitters, no conflicts (2 of 4 stars). 2 submissions from 2 submitters: Likely benign (2). Last evaluated 2024-10-08.

Conditions:
Familial cancer of breast. Also called: hereditary breast carcinoma; BREAST CANCER, FAMILIAL; Hereditary breast cancer. Identifiers: Orphanet 227535, MedGen C0346153, MONDO:0016419, OMIM 114480. Disease mechanism: loss of function.

Submissions (2):

Myriad Genetics, Inc.
Classification: Likely benign for Familial cancer of breast. Last evaluated: 2024-10-08. Review status: criteria provided, single submitter. Criteria: Myriad Autosomal Dominant, Autosomal Recessive and X-Linked Classification Criteria (2023). Collection method: clinical testing. Allele origin: unknown.
Comment: This variant is considered likely benign. This variant is intronic and is not expected to impact mRNA splicing.

Labcorp Genetics (formerly Invitae), Labcorp
Classification: Likely benign for Familial cancer of breast. Last evaluated: 2023-10-10. Review status: criteria provided, single submitter. Criteria: Invitae Variant Classification Sherloc (09022015). Collection method: clinical testing. Allele origin: germline.